The following is an entry in ClinVar:

NM_002139.4(RBMX):c.975C>G (p.Asp325Glu)

Genes: RBMX (RNA binding motif protein X-linked; minus strand), LOC126863330 (MED14-independent group 3 enhancer GRCh37_chrX:135956167-135957366; plus strand). Cytogenetic location: Xq26.3.
Variant type: single nucleotide variant.
Coding change: c.975C>G on transcript NM_002139.4 (MANE Select); coding-DNA position 975, C replaced by G.
Protein change: p.Asp325Glu; replaces aspartic acid 325 with glutamic acid.
Molecular consequence: missense variant. On other transcripts: non-coding transcript variant (2), intron variant (1).
Genome position (GRCh38, 1-based): chrX:136,874,343, G>C on the plus strand (C>G on the coding strand, the complement: RBMX is on the minus strand). VCF-style: chrX-136874343-G-C. GRCh37 (hg19) VCF-style: chrX-135956502-G-C.
Other names: c.540+743C>G (NM_001164803.2); short protein forms D325E.
Identifiers: ClinVar variation 4882422 (VCV004882422.2).

ClinVar aggregate classification (germline): Uncertain significance (1 of 4 stars; one submission).

Submission:

Dasa
Classification: Uncertain significance. Last evaluated: 2025-02-08. Review status: criteria provided, single submitter. Criteria: DASA Assertion Criteria. Collection method: clinical testing. Allele origin: germline.
Comment: NM_002139.4(RBMX):c.975C>G (p.Asp325Glu) is a missense variant that results in the substitution of aspartic acid with glutamic acid. This variant is absent from population databases. Computational prediction algorithms are consistent with a benign effect. The currently available literature and clinical evidence are not sufficient to establish a definitive association between this variant and the reported condition. Therefore, this variant is classified as a variant of uncertain significance.